The following is an entry in ClinVar:

ClinVar aggregate classification (germline): Pathogenic (1 of 4 stars; one submission).

Conditions:
Marfan syndrome (MFS). Also called: MARFAN SYNDROME, TYPE I; Marfan syndrome type 1; Marfan's syndrome; Marfan syndrome, classic; FBN1-Related Marfan Syndrome. Identifiers: Orphanet 284963, Orphanet 558, MedGen C0024796, MONDO:0007947, OMIM 154700.
Familial thoracic aortic aneurysm and aortic dissection (TAAD). Also called: Thoracic aortic aneurysms and dissections. Identifiers: Orphanet 91387, MedGen C4707243, MONDO:0019625.

Submission:

Labcorp Genetics (formerly Invitae), Labcorp
Classification: Pathogenic for Marfan syndrome; Familial thoracic aortic aneurysm and aortic dissection. Last evaluated: 2025-06-24. Review status: criteria provided, single submitter. Criteria: Invitae Variant Classification Sherloc (09022015). Collection method: clinical testing. Allele origin: germline.
Comment: This sequence change replaces cysteine, which is neutral and slightly polar, with phenylalanine, which is neutral and non-polar, at codon 781 of the FBN1 protein (p.Cys781Phe). This variant is not present in population databases (gnomAD no frequency). This variant has not been reported in the literature in individuals affected with FBN1-related conditions. ClinVar contains an entry for this variant (Variation ID: 3754086). Invitae Evidence Modeling of protein sequence and biophysical properties (such as structural, functional, and spatial information, amino acid conservation, physicochemical variation, residue mobility, and thermodynamic stability) indicates that this missense variant is expected to disrupt FBN1 protein function with a positive predictive value of 95%. This variant affects a cysteine residue in the EGF-like, TGFBP or hybrid motif domains of FBN1. Cysteine residues are believed to be involved in intramolecular disulfide bridges and have been shown to be important for FBN1 protein structure (PMID: 16905551, 19349279). In addition, missense substitutions affecting cysteine residues within these domains are significantly overrepresented among patients with Marfan syndrome (PMID: 16571647, 17701892). This variant disrupts the p.Cys781 amino acid residue in FBN1. Other variant(s) that disrupt this residue have been observed in individuals with FBN1-related conditions (PMID: 11700157, 16220557, 25966184), which suggests that this may be a clinically significant amino acid residue. For these reasons, this variant has been classified as Pathogenic.

Literature cited by the submitters: PubMed 16905551; PubMed 19349279; PubMed 16571647; PubMed 17701892; PubMed 11700157; PubMed 16220557; PubMed 25966184.

NM_000138.5(FBN1):c.2342G>T (p.Cys781Phe)

Gene: FBN1 (fibrillin 1; minus strand). Cytogenetic location: 15q21.1.
Variant type: single nucleotide variant.
Coding change: c.2342G>T on transcript NM_000138.5 (MANE Select); coding-DNA position 2342, G replaced by T.
Protein change: p.Cys781Phe; replaces cysteine 781 with phenylalanine.
Molecular consequence: missense variant.
Genome position (GRCh38, 1-based): chr15:48,496,177, C>A on the plus strand (G>T on the coding strand, the complement: FBN1 is on the minus strand). VCF-style: chr15-48496177-C-A. GRCh37 (hg19) VCF-style: chr15-48788374-C-A.
Other names: c.2342G>T, p.Cys781Phe (NM_001406716.1); short protein forms C781F.
Identifiers: ClinVar variation 3754086 (VCV003754086.2).